The following is an entry in ClinVar:

ClinVar aggregate classification (germline): Uncertain significance (1 of 4 stars; one submission).

Conditions:
Rhabdoid tumor predisposition syndrome 2 (RTPS2). Identifiers: Orphanet 231108, Orphanet 69077, MedGen C2750074, MONDO:0013224, OMIM 613325.

Submission:

Labcorp Genetics (formerly Invitae), Labcorp
Classification: Uncertain significance for Rhabdoid tumor predisposition syndrome 2. Last evaluated: 2025-10-13. Review status: criteria provided, single submitter. Criteria: Invitae Variant Classification Sherloc (09022015). Collection method: clinical testing. Allele origin: germline.
Comment: This sequence change replaces alanine, which is neutral and non-polar, with threonine, which is neutral and polar, at codon 376 of the SMARCA4 protein (p.Ala376Thr). This variant is not present in population databases (gnomAD no frequency). This variant has not been reported in the literature in individuals affected with SMARCA4-related conditions. Invitae Evidence Modeling of protein sequence and biophysical properties (such as structural, functional, and spatial information, amino acid conservation, physicochemical variation, residue mobility, and thermodynamic stability) has been performed for this missense variant. However, the output from this modeling did not meet the statistical confidence thresholds required to predict the impact of this variant on SMARCA4 protein function. In summary, the available evidence is currently insufficient to determine the role of this variant in disease. Therefore, it has been classified as a Variant of Uncertain Significance.

NM_003072.5(SMARCA4):c.1126G>A (p.Ala376Thr)

Gene: SMARCA4 (SWI/SNF related BAF chromatin remodeling complex subunit ATPase 4; plus strand). Cytogenetic location: 19p13.2.
Variant type: single nucleotide variant.
Coding change: c.1126G>A on transcript NM_003072.5 (MANE Select); coding-DNA position 1126, G replaced by A.
Protein change: p.Ala376Thr; replaces alanine 376 with threonine.
Molecular consequence: missense variant. On other transcripts: non-coding transcript variant (1).
Genome position (GRCh38, 1-based): chr19:10,989,324, G>A. VCF-style: chr19-10989324-G-A. GRCh37 (hg19) VCF-style: chr19-11100000-G-A.
Other names: c.1126G>A, p.Ala376Thr (NM_001128844.3, NM_001128845.2, NM_001128846.2 and 6 more transcripts); short protein forms A376T.
Identifiers: ClinVar variation 4802547 (VCV004802547.1).